The following is an entry in ClinVar:

NM_001375462.1(LPP):c.451T>C (p.Ser151Pro)

Gene: LPP (LIM domain containing preferred translocation partner in lipoma; plus strand). Cytogenetic location: 3q28.
Variant type: single nucleotide variant.
Coding change: c.451T>C on transcript NM_001375462.1 (MANE Select); coding-DNA position 451, T replaced by C.
Protein change: p.Ser151Pro; replaces serine 151 with proline.
Molecular consequence: missense variant. On other transcripts: non-coding transcript variant (1).
Genome position (GRCh38, 1-based): chr3:188,609,182, T>C. VCF-style: chr3-188609182-T-C. GRCh37 (hg19) VCF-style: chr3-188326970-T-C.
Other names: c.451T>C, p.Ser151Pro (NM_001375463.1, NM_001375464.1, NM_001375465.1 and 10 more transcripts); short protein forms S151P.
Identifiers: ClinVar variation 998374 (VCV000998374.3), dbSNP rs35746269, ClinGen allele CA2751171.

ClinVar aggregate classification (germline): Uncertain significance. Review status: criteria provided, single submitter (1 of 4 stars). 2 submissions from 2 submitters: Uncertain significance (1). 1 of the submissions does not count toward it. Last evaluated 2019-01-13.

Conditions:
LPP-related disorder. Also called: LPP-related condition.
Acute myeloid leukemia (AML). Also called: Acute myeloid leukemia, adult; AML adult; Acute non-lymphocytic leukemia; Acute granulocytic leukemia; Leukemia, acute myelogenous, somatic; Leukemia, acute myeloid, somatic. Identifiers: Orphanet 519, MedGen C0023467, MeSH D015470, MONDO:0018874, OMIM 601626, HP:0004808. Disease mechanism: Constitutively activated FLT3.

Allele frequency attached by ClinVar (database versions not stated): gnomAD 0.00180 and 0.00168; TOPMed 0.00183; ESP Exome Variant Server 0.00192; 1000 Genomes Project 0.00339; 1000 Genomes Project 30x 0.00390.
gnomAD v4.1: 495 of 1,611,502 alleles (0.031%); highest among the groups gnomAD compares: African/African-American, 0.6%; 1 homozygote.

Submissions (2):

Baylor Genetics
Classification: Uncertain significance for Acute myeloid leukemia. Last evaluated: 2019-01-13. Review status: criteria provided, single submitter. Criteria: ACMG Guidelines, 2015. Collection method: clinical testing. Allele origin: maternal. Affected: yes. Study: CSER-TexasKidsCanSeq.
Comment: This variant was determined to be of uncertain significance according to ACMG Guidelines, 2015 [PMID:25741868].

PreventionGenetics, part of Exact Sciences
Classification: Benign for LPP-related condition. Last evaluated: 2020-01-28. Review status: no assertion criteria provided. Collection method: clinical testing. Allele origin: germline. Not counted in ClinVar's aggregate classification.
Comment: This variant is classified as benign based on ACMG/AMP sequence variant interpretation guidelines (Richards et al. 2015 PMID: 25741868, with internal and published modifications).